The following is an entry in ClinVar:

NM_005592.4(MUSK):c.1906C>A (p.Pro636Thr)

Gene: MUSK (muscle associated receptor tyrosine kinase; plus strand). Cytogenetic location: 9q31.3.
Variant type: single nucleotide variant.
Coding change: c.1906C>A on transcript NM_005592.4 (MANE Select); coding-DNA position 1906, C replaced by A.
Protein change: p.Pro636Thr; replaces proline 636 with threonine.
Molecular consequence: missense variant.
Genome position (GRCh38, 1-based): chr9:110,787,817, C>A. VCF-style: chr9-110787817-C-A. GRCh37 (hg19) VCF-style: chr9-113550097-C-A.
Other names: c.1648C>A, p.Pro550Thr (NM_001166280.2); c.1618C>A, p.Pro540Thr (NM_001166281.2); c.646C>A, p.Pro216Thr (NM_001369398.1); short protein forms P636T, P216T, P540T, P550T.
Identifiers: ClinVar variation 2004105 (VCV002004105.4), dbSNP rs2077901303, ClinGen allele CA374476601.

ClinVar aggregate classification (germline): Uncertain significance (1 of 4 stars; one submission).

Conditions:
Fetal akinesia deformation sequence 1 (FADS1). Also called: Fetal akinesia sequence; Pena-Shokeir syndrome type I. Identifiers: Orphanet 994, MedGen C1276035, MONDO:0100101, OMIM 208150, HP:0001989.
Congenital myasthenic syndrome 9. Also called: Myasthenic syndrome, congenital, 9, associated with acetylcholine receptor deficiency. Identifiers: Orphanet 590, MedGen C4225368, MONDO:0014587, OMIM 616325.

Submission:

Labcorp Genetics (formerly Invitae), Labcorp
Classification: Uncertain significance for Congenital myasthenic syndrome 9; Fetal akinesia deformation sequence 1. Last evaluated: 2022-09-30. Review status: criteria provided, single submitter. Criteria: Invitae Variant Classification Sherloc (09022015). Collection method: clinical testing. Allele origin: germline.
Comment: In summary, the available evidence is currently insufficient to determine the role of this variant in disease. Therefore, it has been classified as a Variant of Uncertain Significance. Advanced modeling of protein sequence and biophysical properties (such as structural, functional, and spatial information, amino acid conservation, physicochemical variation, residue mobility, and thermodynamic stability) performed at Invitae indicates that this missense variant is expected to disrupt MUSK protein function. This variant has not been reported in the literature in individuals affected with MUSK-related conditions. This variant is not present in population databases (gnomAD no frequency). This sequence change replaces proline, which is neutral and non-polar, with threonine, which is neutral and polar, at codon 636 of the MUSK protein (p.Pro636Thr).